The following is an entry in ClinVar:

ClinVar aggregate classification (germline): Uncertain significance (1 of 4 stars; one submission).

Submission:

Labcorp Genetics (formerly Invitae), Labcorp
Classification: Uncertain significance. Last evaluated: 2021-09-05. Review status: criteria provided, single submitter. Criteria: Invitae Variant Classification Sherloc (09022015). Collection method: clinical testing. Allele origin: germline.
Comment: This sequence change replaces aspartic acid with asparagine at codon 2430 of the CDH23 protein (p.Asp2430Asn). The aspartic acid residue is highly conserved and there is a small physicochemical difference between aspartic acid and asparagine. This variant is not present in population databases (ExAC no frequency). This variant has not been reported in the literature in individuals with CDH23-related conditions. Algorithms developed to predict the effect of missense changes on protein structure and function are either unavailable or do not agree on the potential impact of this missense change (SIFT: "Deleterious"; PolyPhen-2: "Not Available"; Align-GVGD: "Class C15"). In summary, the available evidence is currently insufficient to determine the role of this variant in disease. Therefore, it has been classified as a Variant of Uncertain Significance.

NM_022124.6(CDH23):c.7288G>A (p.Asp2430Asn)

Gene: CDH23 (cadherin related 23; plus strand). Cytogenetic location: 10q22.1.
Variant type: single nucleotide variant.
Coding change: c.7288G>A on transcript NM_022124.6 (MANE Select); coding-DNA position 7288, G replaced by A.
Protein change: p.Asp2430Asn; replaces aspartic acid 2430 with asparagine.
Molecular consequence: missense variant.
Genome position (GRCh38, 1-based): chr10:71,799,555, G>A. VCF-style: chr10-71799555-G-A. GRCh37 (hg19) VCF-style: chr10-73559312-G-A.
Other names: c.568G>A, p.Asp190Asn (NM_001171933.1, NM_001171934.1); short protein forms D190N, D2430N.
Identifiers: ClinVar variation 1485102 (VCV001485102.8), dbSNP rs2132968674, ClinGen allele CA377159369.